The following is an entry in ClinVar:

ClinVar aggregate classification (germline): Uncertain significance. Review status: criteria provided, multiple submitters, no conflicts (2 of 4 stars). 3 submissions from 3 submitters: Uncertain significance (3). Last evaluated 2024-05-02.

Conditions:
Epidermolysis bullosa simplex 5B, with muscular dystrophy (EBS5B). Also called: Epidermolysis bullosa simplex with muscular dystrophy; EPIDERMOLYSIS BULLOSA SIMPLEX AND LIMB-GIRDLE MUSCULAR DYSTROPHY. Identifiers: Orphanet 257, MedGen C2931072, MONDO:0009181, OMIM 226670.
Epidermolysis bullosa simplex, Ogna type (EBS5A). Also called: Pidermolysis bullosa simplex 5A, Ogna type; EPIDERMOLYSIS BULLOSA SIMPLEX 5A, OGNA TYPE. Identifiers: Orphanet 79401, MedGen C0432317, MONDO:0007555, OMIM 131950.
Epidermolysis bullosa simplex with nail dystrophy (EBS5D). Identifiers: MedGen C4225309, MONDO:0014661, OMIM 616487.
Autosomal recessive limb-girdle muscular dystrophy type 2Q (LGMDR17). Also called: MUSCULAR DYSTROPHY, LIMB-GIRDLE, AUTOSOMAL RECESSIVE 17. Identifiers: Orphanet 254361, MedGen C3150989, MONDO:0013390, OMIM 613723.
Epidermolysis bullosa simplex 5C, with pyloric atresia (EBS5C). Also called: PLEC-Related Epidermolysis Bullosa with Pyloric Atresia; Epidermolysis bullosa simplex with pyloric atresia; PLEC1-Related Epidermolysis Bullosa with Pyloric Atresia. Identifiers: Orphanet 158684, MedGen C2677349, MONDO:0012807, OMIM 612138.

Allele frequency attached by ClinVar (database versions not stated): ExAC 0.00001; TOPMed 0.00004; gnomAD 0.00007 and 0.00009.
gnomAD v4.1: 34 of 1,613,352 alleles (0.0021%); highest among the groups gnomAD compares: African/African-American, 0.015%; no homozygotes.

Submissions (3):

Labcorp Genetics (formerly Invitae), Labcorp
Classification: Uncertain significance for Autosomal recessive limb-girdle muscular dystrophy type 2Q; Epidermolysis bullosa simplex, Ogna type; Epidermolysis bullosa simplex with nail dystrophy; Epidermolysis bullosa simplex 5C, with pyloric atresia; Epidermolysis bullosa simplex 5B, with muscular dystrophy. Last evaluated: 2024-05-02. Review status: criteria provided, single submitter. Criteria: Invitae Variant Classification Sherloc (09022015). Collection method: clinical testing. Allele origin: germline.
Comment: This sequence change replaces alanine, which is neutral and non-polar, with threonine, which is neutral and polar, at codon 2480 of the PLEC protein (p.Ala2480Thr). This variant is present in population databases (rs782611923, gnomAD 0.02%). This variant has not been reported in the literature in individuals affected with PLEC-related conditions. ClinVar contains an entry for this variant (Variation ID: 596226). Algorithms developed to predict the effect of missense changes on protein structure and function output the following: SIFT: "Not Available"; PolyPhen-2: "Benign"; Align-GVGD: "Not Available". The threonine amino acid residue is found in multiple mammalian species, which suggests that this missense change does not adversely affect protein function. In summary, the available evidence is currently insufficient to determine the role of this variant in disease. Therefore, it has been classified as a Variant of Uncertain Significance.

Revvity Omics, Revvity
Classification: Uncertain significance. Last evaluated: 2022-08-30. Review status: criteria provided, single submitter. Criteria: ACMG Guidelines, 2015. Collection method: clinical testing. Allele origin: germline.

Eurofins Ntd Llc (ga)
Classification: Uncertain significance. Last evaluated: 2018-02-27. Review status: criteria provided, single submitter. Criteria: EGL ClinVar v180209 classification definitions. Collection method: clinical testing. Allele origin: germline. Observed: 1 variant allele, 1 heterozygote.

NM_201384.3(PLEC):c.7357G>A (p.Ala2453Thr)

Gene: PLEC (plectin; minus strand). Cytogenetic location: 8q24.3.
Variant type: single nucleotide variant.
Coding change: c.7357G>A on transcript NM_201384.3 (MANE Select); coding-DNA position 7357, G replaced by A.
Protein change: p.Ala2453Thr; replaces alanine 2453 with threonine.
Molecular consequence: missense variant.
Genome position (GRCh38, 1-based): chr8:143,922,572, C>T on the plus strand (G>A on the coding strand, the complement: PLEC is on the minus strand). VCF-style: chr8-143922572-C-T. GRCh37 (hg19) VCF-style: chr8-144996740-C-T.
Other names: c.7438G>A, p.Ala2480Thr (NM_000445.5); c.7315G>A, p.Ala2439Thr (NM_201378.4); c.7291G>A, p.Ala2431Thr (NM_201379.3); c.7768G>A, p.Ala2590Thr (NM_201380.4); c.7261G>A, p.Ala2421Thr (NM_201381.3); c.7357G>A, p.Ala2453Thr (NM_201382.4); c.7369G>A, p.Ala2457Thr (NM_201383.3); short protein forms A2439T, A2453T, A2590T, A2431T, A2457T, A2480T, A2421T.
Identifiers: ClinVar variation 596226 (VCV000596226.14), dbSNP rs782611923, ClinGen allele CA4925677.